The following is an entry in ClinVar:

NM_032447.5(FBN3):c.102C>T (p.Asp34=)

Gene: FBN3 (fibrillin 3; minus strand). Cytogenetic location: 19p13.2.
Variant type: single nucleotide variant.
Coding change: c.102C>T on transcript NM_032447.5 (MANE Select); coding-DNA position 102, C replaced by T.
Protein change: p.Asp34=; no amino-acid change (aspartic acid 34 retained).
Molecular consequence: synonymous variant.
Genome position (GRCh38, 1-based): chr19:8,147,379, G>A on the plus strand (C>T on the coding strand, the complement: FBN3 is on the minus strand). VCF-style: chr19-8147379-G-A. GRCh37 (hg19) VCF-style: chr19-8212263-G-A.
Other names: c.102C>T (NM_001321431.1); c.102C>T, p.Asp34= (NM_001321431.2).
Identifiers: ClinVar variation 1598997 (VCV001598997.11), dbSNP rs11878432, ClinGen allele CA9153883.

ClinVar aggregate classification (germline): Benign. Review status: criteria provided, multiple submitters, no conflicts (2 of 4 stars). 3 submissions from 3 submitters: Benign (2). 1 of the submissions does not count toward it. Last evaluated 2026-02-04.

Conditions:
FBN3-related disorder. Also called: FBN3-related condition.

Allele frequency attached by ClinVar (database versions not stated): gnomAD 0.27698 and 0.27915; gnomAD exomes 0.28679 and 0.32863; 1000 Genomes Project 0.21126; ESP Exome Variant Server 0.27996; 1000 Genomes Project 30x 0.20909; TOPMed 0.26069; ExAC 0.37430.

Submissions (3):

Labcorp Genetics (formerly Invitae), Labcorp
Classification: Benign. Last evaluated: 2026-02-04. Review status: criteria provided, single submitter. Criteria: Invitae Variant Classification Sherloc (09022015). Collection method: clinical testing. Allele origin: germline.

Breakthrough Genomics
Classification: Benign. Review status: criteria provided, single submitter. Criteria: ACMG Guidelines, 2015. Collection method: not provided. Allele origin: germline. Inheritance: Unknown mechanism. Affected: yes.

PreventionGenetics, part of Exact Sciences
Classification: Benign for FBN3-related condition. Last evaluated: 2019-10-18. Review status: no assertion criteria provided. Collection method: clinical testing. Allele origin: germline. Not counted in ClinVar's aggregate classification.
Comment: This variant is classified as benign based on ACMG/AMP sequence variant interpretation guidelines (Richards et al. 2015 PMID: 25741868, with internal and published modifications).